The following is an entry in ClinVar:

ClinVar aggregate classification (germline): Conflicting classifications of pathogenicity. Review status: criteria provided, conflicting classifications (1 of 4 stars). 7 submissions from 7 submitters: Pathogenic (3); Likely pathogenic (2); Uncertain significance (2). Last evaluated 2026-01-14.

Conditions:
Retinitis pigmentosa 39 (RP39). Identifiers: Orphanet 791, MedGen C3151138, MONDO:0013436, OMIM 613809.
Usher syndrome type 2A. Also called: USHER SYNDROME, TYPE IIA; RETINAL DISEASE IN USHER SYNDROME TYPE IIA, MODIFIER OF. Identifiers: Orphanet 231178, Orphanet 886, MedGen C1848634, MONDO:0010169, OMIM 276901.
USH2A-related disorder. Also called: USH2A-related condition; USH2A-related disorders. Identifiers: MedGen CN239332.

Allele frequency attached by ClinVar (database versions not stated): gnomAD exomes below 0.00001; gnomAD 0.00001; TOPMed 0.00001.
gnomAD v4.1: 8 of 1,613,778 alleles (0.0005%); highest among the groups gnomAD compares: East Asian, 0.0045%; no homozygotes.

Submissions (7):

Labcorp Genetics (formerly Invitae), Labcorp
Classification: Pathogenic. Last evaluated: 2026-01-14. Review status: criteria provided, single submitter. Criteria: Invitae Variant Classification Sherloc (09022015). Collection method: clinical testing. Allele origin: germline.
Comment: This sequence change replaces glycine, which is neutral and non-polar, with arginine, which is basic and polar, at codon 4032 of the USH2A protein (p.Gly4032Arg). This variant is present in population databases (no rsID available, gnomAD 0.003%). This missense change has been observed in individuals with Usher syndrome or retinitis pigmentosa (PMID: 26667666, 27460420, 29847639, 33105608; internal data). ClinVar contains an entry for this variant (Variation ID: 846609). Invitae Evidence Modeling of protein sequence and biophysical properties (such as structural, functional, and spatial information, amino acid conservation, physicochemical variation, residue mobility, and thermodynamic stability) indicates that this missense variant is expected to disrupt USH2A protein function with a positive predictive value of 95%. Algorithms developed to predict the effect of sequence changes on RNA splicing suggest that this variant may create or strengthen a splice site. This variant disrupts the p.Gly4032 amino acid residue in USH2A. Other variant(s) that disrupt this residue have been observed in individuals with USH2A-related conditions (PMID: 27208204), which suggests that this may be a clinically significant amino acid residue. For these reasons, this variant has been classified as Pathogenic.

Myriad Genetics, Inc.
Classification: Uncertain significance for USH2A-related disorder. Last evaluated: 2025-11-17. Review status: criteria provided, single submitter. Criteria: Myriad Autosomal Dominant, Autosomal Recessive and X-Linked Classification Criteria (2023). Collection method: clinical testing. Allele origin: unknown.
Comment: NM_206933.2(USH2A):c.12094G>A(G4032R) is a missense variant classified as a variant of uncertain significance in the context of USH2A-related disorders. G4032R has been observed in cases with relevant disease (PMID: 27460420, 29847639, 33105608, 37217489, 38927562). Relevant functional assessments of this variant are not available in the literature. G4032R has been observed in referenced population frequency databases. In summary, there is insufficient evidence to classify NM_206933.2(USH2A):c.12094G>A(G4032R) as pathogenic or benign. Please note: this variant was assessed in the context of healthy population screening.

Women's Health and Genetics/Laboratory Corporation of America, LabCorp
Classification: Uncertain significance. Last evaluated: 2025-07-03. Review status: criteria provided, single submitter. Criteria: LabCorp Variant Classification Summary - May 2015. Collection method: clinical testing. Allele origin: germline.
Comment: Variant summary: USH2A c.12094G>A (p.Gly4032Arg) results in a non-conservative amino acid change located in the Fibronectin type III domain (IPR003961) of the encoded protein sequence. Algorithms developed to predict the effect of missense changes on protein structure and function all suggest that this variant is likely to be disruptive. The variant allele was found at a frequency of 4e-06 in 250584 control chromosomes. c.12094G>A has been observed in individual(s) affected with Usher Syndrome ((Ge_2015, Bonnet_2016, Martin-Merida_2018, Fakin_2019, Inaba_2020, Numa_2020, Schlottmann_2023, LCG internal data). These data indicate that the variant may be associated with disease. To our knowledge, no experimental evidence demonstrating an impact on protein function has been reported. The following publications have been ascertained in the context of this evaluation (PMID: 27460420, 31766479, 26667666, 33105608, 29847639, 33247286, 37217489). ClinVar contains an entry for this variant (Variation ID: 846609). Based on the evidence outlined above, the variant was classified as VUS-possibly pathogenic.

PreventionGenetics, part of Exact Sciences
Classification: Likely pathogenic for USH2A-related condition. Last evaluated: 2025-05-12. Review status: criteria provided, single submitter. Criteria: ACMG Guidelines, 2015. Collection method: clinical testing. Allele origin: germline.
Comment: The USH2A c.12094G>A variant is predicted to result in the amino acid substitution p.Gly4032Arg. This variant has been reported with a second USH2A variant in individuals with retinitis pigmentosa or Usher syndrome (see, for example, Ge et al. 2015. PubMed ID: 26667666; Bonnet et al. 2016. PubMed ID: 27460420; Inaba et al. 2020. PubMed ID: 33105608). Another missense variant affecting the same amino acid (p.Gly4032Val) has been reported in an individual with retinal disease (Ellingford et al. 2016. PubMed ID: 27208204). This variant is reported in 0.0029% of alleles in individuals of Latino descent in gnomAD. This variant is interpreted as likely pathogenic.

Natera, Inc.
Classification: Likely pathogenic for Usher syndrome type 2A. Last evaluated: 2024-12-27. Review status: criteria provided, single submitter. Criteria: Natera Variant Classification Schema (03/2026). Collection method: clinical testing. Allele origin: germline.
Comment: The c.12094G>A variant in USH2A is a missense variant predicted to cause substitution of glycine to arginine at amino acid 4032. This variant is rare in the general population with a frequency below the threshold expected for the associated phenotype(s). This variant has been observed in one or more individuals affected with the associated recessive disease, as either homozygous or compound heterozygous with a second variant (PMID: 27460420, 31766479, 33105608). Computational prediction algorithms indicate this variant is likely to affect gene or protein function. Given the available evidence, this variant is classified as Likely Pathogenic.

Baylor Genetics
Classification: Pathogenic for Retinitis pigmentosa 39. Last evaluated: 2023-02-21. Review status: criteria provided, single submitter. Criteria: ACMG Guidelines, 2015. Collection method: clinical testing. Allele origin: unknown.

Blueprint Genetics
Classification: Pathogenic for USH2A-related disorders. Last evaluated: 2022-11-15. Review status: criteria provided, single submitter. Criteria: ACMG Guidelines, 2015. Collection method: clinical testing. Allele origin: germline. Affected: yes. Observed: 5 variant alleles.

Literature cited by the submitters: PubMed 26667666 (cited by Labcorp Genetics (formerly Invitae), Labcorp and Women's Health and Genetics/Laboratory Corporation of America, LabCorp); PubMed 27460420 (cited by 4 submitters); PubMed 29847639 (cited by 3 submitters); PubMed 33105608 (cited by 4 submitters); PubMed 27208204 (cited by Labcorp Genetics (formerly Invitae), Labcorp); PubMed 37217489 (cited by Myriad Genetics, Inc. and Women's Health and Genetics/Laboratory Corporation of America, LabCorp); PubMed 38927562 (cited by Myriad Genetics, Inc.); PubMed 33247286 (cited by Women's Health and Genetics/Laboratory Corporation of America, LabCorp); PubMed 31766479 (cited by Women's Health and Genetics/Laboratory Corporation of America, LabCorp and Natera, Inc.).

NM_206933.4(USH2A):c.12094G>A (p.Gly4032Arg)

Gene: USH2A (usherin; minus strand). Cytogenetic location: 1q41.
Variant type: single nucleotide variant.
Coding change: c.12094G>A on transcript NM_206933.4 (MANE Select); coding-DNA position 12094, G replaced by A.
Protein change: p.Gly4032Arg; replaces glycine 4032 with arginine.
Molecular consequence: missense variant.
Genome position (GRCh38, 1-based): chr1:215,680,349, C>T on the plus strand (G>A on the coding strand, the complement: USH2A is on the minus strand). VCF-style: chr1-215680349-C-T. GRCh37 (hg19) VCF-style: chr1-215853691-C-T.
Other names: short protein forms G4032R.
Identifiers: ClinVar variation 846609 (VCV000846609.14), dbSNP rs908265742, ClinGen allele CA37358152.